The following is an entry in ClinVar:

NM_000455.5(STK11):c.475C>T (p.Gln159Ter)

Gene: STK11 (serine/threonine kinase 11; plus strand). Cytogenetic location: 19p13.3.
Variant type: single nucleotide variant.
Coding change: c.475C>T on transcript NM_000455.5 (MANE Select); coding-DNA position 475, C replaced by T.
Protein change: p.Gln159Ter; replaces glutamine 159 with a stop codon.
Molecular consequence: nonsense.
Genome position (GRCh38, 1-based): chr19:1,220,383, C>T. VCF-style: chr19-1220383-C-T. GRCh37 (hg19) VCF-style: chr19-1220382-C-T.
Other names: c.475C>T, p.Gln159Ter (NM_001407255.1); short protein forms Q159*.
Identifiers: ClinVar variation 1742886 (VCV001742886.7), dbSNP rs2145424136, ClinGen allele CA10575451.
Genomic context (GRCh38, chr19:1,220,383, plus strand): 5'-GTGAGGGGCAGGGAGGCCTCGGCCCCAGGACGGGTGTGTGCTGCCCGCAGGTACTTCTGT[C>T]AGCTGATTGACGGCCTGGAGTACCTGCATAGCCAGGGCATTGTGCACAAGGACATCAAGC-3'

ClinVar aggregate classification (germline): Pathogenic. Review status: criteria provided, multiple submitters, no conflicts (2 of 4 stars). 4 submissions from 4 submitters: Pathogenic (4). Last evaluated 2025-02-20.

Conditions:
Hereditary cancer-predisposing syndrome. Also called: Neoplastic Syndromes, Hereditary; Tumor predisposition; Hereditary Cancer Syndrome; Hereditary neoplastic syndrome. Identifiers: Orphanet 140162, MedGen C0027672, MeSH D009386, MONDO:0015356.
Peutz-Jeghers syndrome (PJS). Also called: POLYPOSIS, HAMARTOMATOUS INTESTINAL; POLYPS-AND-SPOTS SYNDROME; Peutz-Jeghers polyposis; Periorificial lentiginosis syndrome. Identifiers: Orphanet 2869, MedGen C0031269, MeSH D010580, MONDO:0008280, OMIM 175200.

Submissions (4):

Ambry Genetics
Classification: Pathogenic for Hereditary cancer-predisposing syndrome. Last evaluated: 2025-02-20. Review status: criteria provided, single submitter. Criteria: Ambry Variant Classification Scheme 2023. Collection method: clinical testing. Allele origin: germline.
Comment: The p.Q159* pathogenic mutation (also known as c.475C>T), located in coding exon 4 of the STK11 gene, results from a C to T substitution at nucleotide position 475. This changes the amino acid from a glutamine to a stop codon within coding exon 4. This variant has been reported in a Danish cohort of individuals diagnosed with Peutz-Jeghers syndrome (Jelsig AM et al. Int J Colorectal Dis. 2016 May;31:997-1004). This variant is considered to be rare based on population cohorts in the Genome Aggregation Database (gnomAD). In addition to the clinical data presented in the literature, this alteration is expected to result in loss of function by premature protein truncation or nonsense-mediated mRNA decay. As such, this alteration is interpreted as a disease-causing mutation.

Department of Clinical Genetics, Copenhagen University Hospital, Rigshospitalet
Classification: Pathogenic for Peutz-Jeghers syndrome. Last evaluated: 2025-01-10. Review status: criteria provided, single submitter. Criteria: ACMG Guidelines, 2015. Collection method: clinical testing. Allele origin: germline. Affected: yes.
Comment: The following ACMG criteria was used: PVS1; PM2_SUP; PS4_SUP

Myriad Genetics, Inc.
Classification: Pathogenic for Peutz-Jeghers syndrome. Last evaluated: 2024-02-12. Review status: criteria provided, single submitter. Criteria: Myriad Autosomal Dominant, Autosomal Recessive and X-Linked Classification Criteria (2023). Collection method: clinical testing. Allele origin: unknown.
Comment: This variant is considered pathogenic. This variant creates a termination codon and is predicted to result in premature protein truncation.

Labcorp Genetics (formerly Invitae), Labcorp
Classification: Pathogenic for Peutz-Jeghers syndrome. Last evaluated: 2022-11-18. Review status: criteria provided, single submitter. Criteria: Invitae Variant Classification Sherloc (09022015). Collection method: clinical testing. Allele origin: germline.
Comment: For these reasons, this variant has been classified as Pathogenic. This premature translational stop signal has been observed in individual(s) with Peutz-Jeghers syndrome (PMID: 26979979). This variant is not present in population databases (gnomAD no frequency). This sequence change creates a premature translational stop signal (p.Gln159*) in the STK11 gene. It is expected to result in an absent or disrupted protein product. Loss-of-function variants in STK11 are known to be pathogenic (PMID: 15188174, 16287113).

Literature cited by the submitters: PubMed 26979979 (cited by Ambry Genetics and Labcorp Genetics (formerly Invitae), Labcorp); PubMed 37017260 (cited by Department of Clinical Genetics, Copenhagen University Hospital, Rigshospitalet); PubMed 15188174 (cited by Labcorp Genetics (formerly Invitae), Labcorp); PubMed 16287113 (cited by Labcorp Genetics (formerly Invitae), Labcorp).